The following is an entry in ClinVar:

NM_000059.4(BRCA2):c.4547_4553dup (p.Glu1518fs)

Gene: BRCA2 (BRCA2 DNA repair associated; plus strand). Cytogenetic location: 13q13.1.
Variant type: Duplication.
Coding change: c.4547_4553dup on transcript NM_000059.4 (MANE Select); coding-DNA positions 4547 to 4553, 7 bases duplicated (TCAAAGA; older notation c.4547_4553dupTCAAAGA).
Protein change: p.Glu1518fs; shifts the reading frame from glutamic acid 1518.
Molecular consequence: frameshift variant. On other transcripts: non-coding transcript variant (1), intron variant (2).
Genome position (GRCh38, 1-based): chr13:32,338,902-32,338,908, TCAAAGA duplicated; duplicating any 7 consecutive bases within chr13:32,338,897-32,338,908 gives the same sequence; the c. name uses the placement nearest the transcript's 3' end. VCF-style (leftmost placement, unchanged base first): chr13-32338896-A-AAAAGATC. GRCh37 (hg19) VCF-style: chr13-32913033-A-AAAAGATC.
Other names: c.4547_4553dup, p.Glu1518fs (NM_001406719.1, NM_001406720.1); c.1909+5515_1909+5521dup (NM_001406721.1); c.425-5656_425-5650dup (NM_001406722.1); short protein forms E1518fs.
Identifiers: ClinVar variation 2583848 (VCV002583848.2), dbSNP rs2548528626, ClinGen allele CA2582341845.

ClinVar aggregate classification (germline): Pathogenic (1 of 4 stars; one submission).

Conditions:
Breast-ovarian cancer, familial, susceptibility to, 2 (BROVCA2). Also called: BRCA2 Hereditary Breast and Ovarian Cancer. Identifiers: Orphanet 145, MedGen C2675520, MONDO:0012933, OMIM 612555. Disease mechanism: loss of function.

Submission:

Myriad Genetics, Inc.
Classification: Pathogenic for Breast-ovarian cancer, familial, susceptibility to, 2. Last evaluated: 2023-06-20. Review status: criteria provided, single submitter. Criteria: Myriad Autosomal Dominant, Autosomal Recessive and X-Linked Classification Criteria (2023). Collection method: clinical testing. Allele origin: unknown.
Comment: This variant is considered pathogenic. This variant creates a frameshift predicted to result in premature protein truncation.